The following is an entry in ClinVar:

ClinVar aggregate classification (germline): Uncertain significance (1 of 4 stars; one submission).

Allele frequency attached by ClinVar (database versions not stated): ExAC 0.00001; gnomAD exomes 0.00001; TOPMed 0.00002; gnomAD 0.00003 and 0.00004; ESP Exome Variant Server 0.00008.

Submission:

Labcorp Genetics (formerly Invitae), Labcorp
Classification: Uncertain significance. Last evaluated: 2024-02-23. Review status: criteria provided, single submitter. Criteria: Invitae Variant Classification Sherloc (09022015). Collection method: clinical testing. Allele origin: germline.
Comment: This sequence change replaces arginine, which is basic and polar, with glutamine, which is neutral and polar, at codon 430 of the ADCY5 protein (p.Arg430Gln). This variant is present in population databases (rs139672003, gnomAD 0.007%). This variant has not been reported in the literature in individuals affected with ADCY5-related conditions. ClinVar contains an entry for this variant (Variation ID: 1474320). Advanced modeling of protein sequence and biophysical properties (such as structural, functional, and spatial information, amino acid conservation, physicochemical variation, residue mobility, and thermodynamic stability) has been performed at Invitae for this missense variant, however the output from this modeling did not meet the statistical confidence thresholds required to predict the impact of this variant on ADCY5 protein function. In summary, the available evidence is currently insufficient to determine the role of this variant in disease. Therefore, it has been classified as a Variant of Uncertain Significance.

NM_183357.3(ADCY5):c.1289G>A (p.Arg430Gln)

Gene: ADCY5 (adenylate cyclase 5; minus strand). Cytogenetic location: 3q21.1.
Variant type: single nucleotide variant.
Coding change: c.1289G>A on transcript NM_183357.3 (MANE Select); coding-DNA position 1289, G replaced by A.
Protein change: p.Arg430Gln; replaces arginine 430 with glutamine.
Molecular consequence: missense variant.
Genome position (GRCh38, 1-based): chr3:123,347,899, C>T on the plus strand (G>A on the coding strand, the complement: ADCY5 is on the minus strand). VCF-style: chr3-123347899-C-T. GRCh37 (hg19) VCF-style: chr3-123066746-C-T.
Other names: c.239G>A, p.Arg80Gln (NM_001199642.1); c.1289G>A, p.Arg430Gln (NM_001378259.1); short protein forms R80Q, R430Q.
Identifiers: ClinVar variation 1474320 (VCV001474320.6), dbSNP rs139672003, ClinGen allele CA2577486.
Genomic context (GRCh38, chr3:123,347,899, plus strand): 5'-GCGTTGATGTCTGCTTTCATCTCCATGGCAACATGACGGGGAAGGACAGACAGCAGGAGC[C>T]GTTCCTGCAGAGGGAAGCACATGCTTTCATCACCACGCCTTCTACCTGCCTGGCAAGTGC-3'
Protein context (NP_899200.1, residues 420-440): HSQRENQQQE[Arg430Gln]LLLSVLPRHV